The following is an entry in ClinVar:

ClinVar aggregate classification (germline): Uncertain significance (1 of 4 stars; one submission).

gnomAD v4.1: 30 of 1,556,044 alleles (0.0019%); highest among the groups gnomAD compares: East Asian, 0.029%; no homozygotes.

Submission:

Labcorp Genetics (formerly Invitae), Labcorp
Classification: Uncertain significance. Last evaluated: 2020-12-19. Review status: criteria provided, single submitter. Criteria: Invitae Variant Classification Sherloc (09022015). Collection method: clinical testing. Allele origin: germline.
Comment: This variant is not present in population databases (ExAC no frequency). In summary, the available evidence is currently insufficient to determine the role of this variant in disease. Therefore, it has been classified as a Variant of Uncertain Significance. Algorithms developed to predict the effect of sequence changes on RNA splicing suggest that this variant may create or strengthen a splice site, but this prediction has not been confirmed by published transcriptional studies. Advanced modeling of protein sequence and biophysical properties (such as structural, functional, and spatial information, amino acid conservation, physicochemical variation, residue mobility, and thermodynamic stability) performed at Invitae indicates that this missense variant is not expected to disrupt CLCN7 protein function. This variant has not been reported in the literature in individuals with CLCN7-related conditions. This sequence change replaces arginine with glutamine at codon 696 of the CLCN7 protein (p.Arg696Gln). The arginine residue is moderately conserved and there is a small physicochemical difference between arginine and glutamine.

NM_001287.6(CLCN7):c.2087G>A (p.Arg696Gln)

Gene: CLCN7 (chloride voltage-gated channel 7; minus strand). Cytogenetic location: 16p13.3.
Variant type: single nucleotide variant.
Coding change: c.2087G>A on transcript NM_001287.6 (MANE Select); coding-DNA position 2087, G replaced by A.
Protein change: p.Arg696Gln; replaces arginine 696 with glutamine.
Molecular consequence: missense variant.
Genome position (GRCh38, 1-based): chr16:1,447,555, C>T on the plus strand (G>A on the coding strand, the complement: CLCN7 is on the minus strand). VCF-style: chr16-1447555-C-T. GRCh37 (hg19) VCF-style: chr16-1497556-C-T.
Other names: c.2015G>A, p.Arg672Gln (NM_001114331.3); short protein forms R672Q, R696Q.
Identifiers: ClinVar variation 1357517 (VCV001357517.8), dbSNP rs1032308852, ClinGen allele CA394185797.